The following is an entry in ClinVar:

NM_000548.5(TSC2):c.3815-16C>T

Gene: TSC2 (TSC complex subunit 2; plus strand). Cytogenetic location: 16p13.3.
Variant type: single nucleotide variant.
Coding change: c.3815-16C>T on transcript NM_000548.5 (MANE Select); 16 bases into the intron before coding-DNA position 3815, C replaced by T.
Molecular consequence: intron variant.
Genome position (GRCh38, 1-based): chr16:2,082,420, C>T. VCF-style: chr16-2082420-C-T. GRCh37 (hg19) VCF-style: chr16-2132421-C-T.
Other names: c.3815-16C>T (NM_000548.4); c.3814+622C>T (NM_001114382.3); c.3686-16C>T (NM_021055.3, NM_001370405.1); c.3685+622C>T (NM_001363528.2); c.3683-16C>T (NM_001370404.1); c.3682+622C>T (NM_001077183.3); c.3574+622C>T (NM_001318827.2); c.3083-16C>T (NM_001318831.2); and 2 more.
Identifiers: ClinVar variation 378788 (VCV000378788.12), dbSNP rs546810161, ClinGen allele CA048660.
Genomic context (GRCh38, chr16:2,082,420, plus strand): 5'-GGGCCTGTGCTCTCTGCTCGACCTGTGTGTAGCCCCTCCTCCTGCTGACGTGGCCGCACA[C>T]GGCCTTCCCTTGCAGTGGCCTCTTTCTCCTCCCTGTACCAGTCCAGCTGCCAAGGACAGC-3'

ClinVar aggregate classification (germline): Benign/Likely benign. Review status: criteria provided, multiple submitters, no conflicts (2 of 4 stars). 6 submissions from 6 submitters: Benign (2); Likely benign (4). Last evaluated 2026-02-04.

Conditions:
Tuberous sclerosis 2 (TSC2). Identifiers: Orphanet 805, MedGen C1860707, MONDO:0013199, OMIM 613254.
Lymphangiomyomatosis (LAM). Also called: Lymphangioleiomyomatosis, somatic; Lymphangioleiomyomatosis. Identifiers: Orphanet 538, MedGen C0751674, MONDO:0011705, OMIM 606690.
Isolated focal cortical dysplasia type II (FCORD2). Also called: CORTICAL DYSPLASIA OF TAYLOR; Focal cortical dysplasia type II. Identifiers: Orphanet 268994, MedGen C1846385, MONDO:0011818, OMIM 607341, HP:0032051.

Allele frequency attached by ClinVar (database versions not stated): gnomAD 0.00008 and 0.00009; TOPMed 0.00021; 1000 Genomes Project 30x 0.00031; 1000 Genomes Project 0.00040.
gnomAD v4.1: 182 of 1,612,424 alleles (0.011%); highest among the groups gnomAD compares: South Asian, 0.15%; no homozygotes.

Submissions (6):

Labcorp Genetics (formerly Invitae), Labcorp
Classification: Benign for Tuberous sclerosis 2. Last evaluated: 2026-02-04. Review status: criteria provided, single submitter. Criteria: Invitae Variant Classification Sherloc (09022015). Collection method: clinical testing. Allele origin: germline.

Myriad Genetics, Inc.
Classification: Benign for Tuberous sclerosis 2. Last evaluated: 2025-05-30. Review status: criteria provided, single submitter. Criteria: Myriad Autosomal Dominant, Autosomal Recessive and X-Linked Classification Criteria (2023). Collection method: clinical testing. Allele origin: unknown.
Comment: This variant is considered benign. This variant is intronic and is not expected to impact mRNA splicing. Homozygosity has been confirmed in one or more individuals. As homozygosity for pathogenic variants in this gene is generally assumed to result in embryonic lethality, this variant is unlikely to be pathogenic.

Blueprint Genetics
Classification: Likely benign. Last evaluated: 2024-10-25. Review status: criteria provided, single submitter. Criteria: ACMG Guidelines, 2015. Collection method: clinical testing. Allele origin: germline.

KCCC/NGS Laboratory, Kuwait Cancer Control Center
Classification: Likely benign for Tuberous sclerosis 2. Last evaluated: 2023-07-07. Review status: criteria provided, single submitter. Criteria: ACMG Guidelines, 2015. Collection method: clinical testing. Allele origin: germline. Affected: yes.

Fulgent Genetics
Classification: Likely benign for Lymphangiomyomatosis; Isolated focal cortical dysplasia type II; Tuberous sclerosis 2. Last evaluated: 2021-09-23. Review status: criteria provided, single submitter. Criteria: ACMG Guidelines, 2015. Collection method: clinical testing. Allele origin: unknown.

GeneDx
Classification: Likely benign. Last evaluated: 2017-08-30. Review status: criteria provided, single submitter. Criteria: GeneDx Variant Classification (06012015). Collection method: clinical testing. Allele origin: germline. Affected: yes.
Comment: This variant is considered likely benign or benign based on one or more of the following criteria: it is a conservative change, it occurs at a poorly conserved position in the protein, it is predicted to be benign by multiple in silico algorithms, and/or has population frequency not consistent with disease.